The following is an entry in ClinVar:

NM_005609.4(PYGM):c.1142T>C (p.Leu381Pro)

Gene: PYGM (glycogen phosphorylase, muscle associated; minus strand). Cytogenetic location: 11q13.1.
Variant type: single nucleotide variant.
Coding change: c.1142T>C on transcript NM_005609.4 (MANE Select); coding-DNA position 1142, T replaced by C.
Protein change: p.Leu381Pro; replaces leucine 381 with proline.
Molecular consequence: missense variant.
Genome position (GRCh38, 1-based): chr11:64,753,976, A>G on the plus strand (T>C on the coding strand, the complement: PYGM is on the minus strand). VCF-style: chr11-64753976-A-G. GRCh37 (hg19) VCF-style: chr11-64521448-A-G.
Other names: c.878T>C, p.Leu293Pro (NM_001164716.1); short protein forms L381P, L293P.
Identifiers: ClinVar variation 1480058 (VCV001480058.6), dbSNP rs1156945983, ClinGen allele CA381176709.

ClinVar aggregate classification (germline): Uncertain significance (1 of 4 stars; one submission).

Conditions:
Glycogen storage disease, type V (GSD5). Also called: McArdle type glycogen storage disease; MUSCLE GLYCOGEN PHOSPHORYLASE DEFICIENCY; MYOPHOSPHORYLASE DEFICIENCY; PYGM DEFICIENCY; MCARDLE DISEASE. Identifiers: Orphanet 368, MedGen C0017924, MONDO:0009293, OMIM 232600.

Submission:

Labcorp Genetics (formerly Invitae), Labcorp
Classification: Uncertain significance for Glycogen storage disease, type V. Last evaluated: 2023-12-25. Review status: criteria provided, single submitter. Criteria: Invitae Variant Classification Sherloc (09022015). Collection method: clinical testing. Allele origin: germline.
Comment: This sequence change replaces leucine, which is neutral and non-polar, with proline, which is neutral and non-polar, at codon 381 of the PYGM protein (p.Leu381Pro). This variant is not present in population databases (gnomAD no frequency). This variant has not been reported in the literature in individuals affected with PYGM-related conditions. ClinVar contains an entry for this variant (Variation ID: 1480058). Advanced modeling of protein sequence and biophysical properties (such as structural, functional, and spatial information, amino acid conservation, physicochemical variation, residue mobility, and thermodynamic stability) performed at Invitae indicates that this missense variant is expected to disrupt PYGM protein function with a positive predictive value of 95%. In summary, the available evidence is currently insufficient to determine the role of this variant in disease. Therefore, it has been classified as a Variant of Uncertain Significance.